The following is an entry in ClinVar:

ClinVar aggregate classification (germline): Uncertain significance. Review status: criteria provided, multiple submitters, no conflicts (2 of 4 stars). 5 submissions from 5 submitters: Uncertain significance (5). Last evaluated 2026-01-19.

Conditions:
Autosomal recessive ataxia, Beauce type. Also called: Spinocerebellar ataxia, autosomal recessive 8; SYNE1-Related Autosomal Recessive Cerebellar Ataxia; SYNE1 Deficiency; ATAXIA, RECESSIVE, OF BEAUCE. Identifiers: Orphanet 88644, MedGen C1853116, MONDO:0012549, OMIM 610743.
Emery-Dreifuss muscular dystrophy 4, autosomal dominant (EDMD4). Also called: EMERY-DREIFUSS MUSCULAR DYSTROPHY 4 WITH VARIABLE FEATURES. Identifiers: Orphanet 261, MedGen C2751807, MONDO:0013071, OMIM 612998.
Arthrogryposis multiplex congenita 3, myogenic type. Also called: ARTHROGRYPOSIS MULTIPLEX CONGENITA, MYOGENIC TYPE. Identifiers: MedGen C5193121, MONDO:0032778, OMIM 618484.

gnomAD v4.1: 125 of 1,613,958 alleles (0.0077%); highest among the groups gnomAD compares: Admixed American, 0.027%; 1 homozygote.

Submissions (5):

Labcorp Genetics (formerly Invitae), Labcorp
Classification: Uncertain significance for Emery-Dreifuss muscular dystrophy 4, autosomal dominant; Autosomal recessive ataxia, Beauce type. Last evaluated: 2026-01-19. Review status: criteria provided, single submitter. Criteria: Invitae Variant Classification Sherloc (09022015). Collection method: clinical testing. Allele origin: germline.
Comment: This sequence change replaces arginine, which is basic and polar, with leucine, which is neutral and non-polar, at codon 8687 of the SYNE1 protein (p.Arg8687Leu). This variant is present in population databases (rs2295192, gnomAD 0.2%). This variant has not been reported in the literature in individuals affected with SYNE1-related conditions. ClinVar contains an entry for this variant (Variation ID: 596072). An algorithm developed to predict the effect of missense changes on protein structure and function (PolyPhen-2) suggests that this variant is likely to be tolerated. In summary, the available evidence is currently insufficient to determine the role of this variant in disease. Therefore, it has been classified as a Variant of Uncertain Significance.

GeneDx
Classification: Uncertain significance. Last evaluated: 2025-08-15. Review status: criteria provided, single submitter. Criteria: GeneDx Variant Classification Process June 2021. Collection method: clinical testing. Allele origin: germline. Affected: yes.
Comment: In silico analysis supports that this missense variant has a deleterious effect on protein structure/function; Has not been previously published as pathogenic or benign to our knowledge

Revvity Omics, Revvity
Classification: Uncertain significance. Last evaluated: 2025-03-23. Review status: criteria provided, single submitter. Criteria: ACMG Guidelines, 2015. Collection method: clinical testing. Allele origin: germline.

Department of Pathology and Laboratory Medicine, Sinai Health System
Classification: Uncertain significance for Autosomal recessive ataxia, Beauce type; Emery-Dreifuss muscular dystrophy 4, autosomal dominant; Arthrogryposis multiplex congenita 3, myogenic type. Last evaluated: 2023-03-20. Review status: criteria provided, single submitter. Criteria: ACMG Guidelines, 2015. Collection method: research. Allele origin: germline.

Eurofins Ntd Llc (ga)
Classification: Uncertain significance. Last evaluated: 2018-02-13. Review status: criteria provided, single submitter. Criteria: EGL ClinVar v180209 classification definitions. Collection method: clinical testing. Allele origin: germline. Observed: 1 variant allele, 1 heterozygote.

NM_182961.4(SYNE1):c.26204G>T (p.Arg8735Leu)

Genes: ESR1 (estrogen receptor 1; plus strand), SYNE1 (spectrin repeat containing nuclear envelope protein 1; minus strand). Cytogenetic location: 6q25.2.
Variant type: single nucleotide variant.
Coding change: c.26204G>T on transcript NM_182961.4 (MANE Select); coding-DNA position 26204, G replaced by T.
Protein change: p.Arg8735Leu; replaces arginine 8735 with leucine.
Molecular consequence: missense variant. On other transcripts: 3 prime UTR variant (1), intron variant (1).
Genome position (GRCh38, 1-based): chr6:152,122,626, C>A on the plus strand (G>T on the coding strand, the complement: SYNE1 is on the minus strand). VCF-style: chr6-152122626-C-A. GRCh37 (hg19) VCF-style: chr6-152443761-C-A.
Other names: c.*15G>T (NM_001347701.2); c.2738G>T, p.Arg913Leu (NM_001347702.2); c.26060G>T, p.Arg8687Leu (NM_033071.5); c.851-2640C>A (NM_001328100.2); short protein forms R8735L, R8687L, R913L.
Identifiers: ClinVar variation 596072 (VCV000596072.15), dbSNP rs2295192, ClinGen allele CA4052608.